The following is an entry in ClinVar:

NM_000426.4(LAMA2):c.3556-13T>A

Gene: LAMA2 (laminin subunit alpha 2; plus strand). Cytogenetic location: 6q22.33.
Variant type: single nucleotide variant.
Coding change: c.3556-13T>A on transcript NM_000426.4 (MANE Select); 13 bases into the intron before coding-DNA position 3556, T replaced by A.
Molecular consequence: intron variant.
Genome position (GRCh38, 1-based): chr6:129,315,463, T>A. VCF-style: chr6-129315463-T-A. GRCh37 (hg19) VCF-style: chr6-129636608-T-A.
Other names: c.3556-13T>A (NM_001079823.2).
Identifiers: ClinVar variation 555549 (VCV000555549.15), dbSNP rs775278003, ClinGen allele CA3993301.

ClinVar aggregate classification (germline): Pathogenic/Likely pathogenic. Review status: criteria provided, multiple submitters, no conflicts (2 of 4 stars). 5 submissions from 5 submitters: Pathogenic (2); Likely pathogenic (2). 1 of the submissions does not count toward it. Last evaluated 2024-07-25.

Conditions:
Muscular dystrophy, limb-girdle, autosomal recessive 23. Identifiers: Orphanet 565837, MedGen C4748327, MONDO:0029136, OMIM 618138.
Merosin deficient congenital muscular dystrophy (MDC1A). Also called: Congenital Muscular Dystrophy Type 1A (MDC1A); Congenital merosin-deficient muscular dystrophy 1A. Identifiers: Orphanet 258, MedGen C1263858, MONDO:0011925, OMIM 607855.
LAMA2-related muscular dystrophy (LAMA2-RD). Also called: Laminin alpha 2-related dystrophy. Identifiers: MedGen C5679788, MONDO:0100228.

Allele frequency attached by ClinVar (database versions not stated): gnomAD exomes below 0.00001 and 0.00002; TOPMed below 0.00001; gnomAD 0.00001; ExAC 0.00002.
gnomAD v4.1: 7 of 1,613,500 alleles (0.00043%); highest among the groups gnomAD compares: East Asian, 0.011%; no homozygotes.

Submissions (5):

GeneDx
Classification: Pathogenic. Last evaluated: 2024-07-25. Review status: criteria provided, single submitter. Criteria: GeneDx Variant Classification Process June 2021. Collection method: clinical testing. Allele origin: germline. Affected: yes.
Comment: Reported in the homozygous and compound heterozygous state in patients with LAMA2-related disorders in the published literature (PMID: 24611677, 31929873, 37388928); Non-canonical splice site variant demonstrated to result in loss of function (PMID: 24611677); This variant is associated with the following publications: (PMID: 38962616, 34281576, 32987775, 24611677, 31066047, 30055037, 37388928, 31929873)

Fulgent Genetics
Classification: Likely pathogenic for Merosin deficient congenital muscular dystrophy; Muscular dystrophy, limb-girdle, autosomal recessive 23. Last evaluated: 2024-06-04. Review status: criteria provided, single submitter. Criteria: ACMG Guidelines, 2015. Collection method: clinical testing. Allele origin: germline.

Labcorp Genetics (formerly Invitae), Labcorp
Classification: Pathogenic for LAMA2-related muscular dystrophy. Last evaluated: 2024-01-11. Review status: criteria provided, single submitter. Criteria: Invitae Variant Classification Sherloc (09022015). Collection method: clinical testing. Allele origin: germline.
Comment: This sequence change falls in intron 24 of the LAMA2 gene. It does not directly change the encoded amino acid sequence of the LAMA2 protein. RNA analysis indicates that this variant induces altered splicing and may result in an absent or disrupted protein product. This variant is present in population databases (rs775278003, gnomAD 0.03%). This variant has been observed in individual(s) with congenital muscular dystrophy (PMID: 24611677). In at least one individual the data is consistent with being in trans (on the opposite chromosome) from a pathogenic variant. It has also been observed to segregate with disease in related individuals. ClinVar contains an entry for this variant (Variation ID: 555549). Studies have shown that this variant results in activation of a cryptic splice site and introduces a premature termination codon (PMID: 24611677). The resulting mRNA is expected to undergo nonsense-mediated decay. For these reasons, this variant has been classified as Pathogenic.

Baylor Genetics
Classification: Likely pathogenic for Merosin deficient congenital muscular dystrophy. Last evaluated: 2018-06-27. Review status: criteria provided, single submitter. Criteria: ACMG Guidelines, 2015. Collection method: clinical testing. Allele origin: paternal. Affected: yes.
Comment: This variant was determined to be likely pathogenic according to ACMG Guidelines, 2015 [PMID:25741868]. This variant has been previously reported to affect splicing of LAMA2 [PMID 24611677]

Counsyl
Classification: Uncertain significance for Merosin deficient congenital muscular dystrophy. Last evaluated: 2017-12-12. Review status: no assertion criteria provided. Collection method: clinical testing. Allele origin: unknown. Not counted in ClinVar's aggregate classification.

Literature cited by the submitters: PubMed 24611677 (cited by 3 submitters).